The following is an entry in ClinVar:

ClinVar aggregate classification (germline): Pathogenic. Review status: no assertion criteria provided (0 of 4 stars). 2 submissions from 2 submitters: Pathogenic (1). 1 of the submissions does not count toward it. Last evaluated 2012-05-27.

Conditions:
IMAGe syndrome. Also called: Intrauterine Growth Restriction, Metaphyseal Dysplasia, Adrenal Hypoplasia Congenita, and Genital Anomalies; Intrauterine growth retardation, metaphyseal dysplasia, adrenal hypoplasia congenita, and genital anomalies. Identifiers: Orphanet 85173, MedGen C1846009, MONDO:0013873, OMIM 614732.

Submissions (2):

OMIM
Classification: Pathogenic for INTRAUTERINE GROWTH RETARDATION, METAPHYSEAL DYSPLASIA, ADRENAL HYPOPLASIA CONGENITA, AND GENITAL ANOMALIES. Last evaluated: 2012-05-27. Review status: no assertion criteria provided. Collection method: literature only. Allele origin: germline.

GeneReviews
No classification provided. Condition: IMAGe syndrome. Review status: no classification provided. Collection method: literature only. Allele origin: germline. Not counted in ClinVar's aggregate classification.
Comment: Associated with IMAGe syndrome

Literature cited by the submitters: PubMed 22634751 (cited by OMIM and GeneReviews); PubMed 24624461 (cited by GeneReviews).

NM_001122630.2(CDKN1C):c.803G>C (p.Arg268Pro)

Gene: CDKN1C (cyclin dependent kinase inhibitor 1C; minus strand). Cytogenetic location: 11p15.4.
Variant type: single nucleotide variant.
Coding change: c.803G>C on transcript NM_001122630.2 (MANE Select); coding-DNA position 803, G replaced by C.
Protein change: p.Arg268Pro; replaces arginine 268 with proline.
Molecular consequence: missense variant.
Genome position (GRCh38, 1-based): chr11:2,884,119, C>G on the plus strand (G>C on the coding strand, the complement: CDKN1C is on the minus strand). VCF-style: chr11-2884119-C-G. GRCh37 (hg19) VCF-style: chr11-2905349-C-G.
Other names: c.836G>C, p.Arg279Pro (NM_001362474.2, NM_000076.2); c.271G>C, p.Ala91Pro (NM_001362475.2); c.803G>C, p.Arg268Pro (NM_001122631.2); short protein forms R279P, R268P, A91P.
Identifiers: ClinVar variation 35530 (VCV000035530.4), dbSNP rs318240750, ClinGen allele CA342829.